The following is an entry in ClinVar:

ClinVar aggregate classification (germline): Uncertain significance (1 of 4 stars; one submission).

Submission:

GeneDx
Classification: Uncertain significance. Last evaluated: 2024-02-06. Review status: criteria provided, single submitter. Criteria: GeneDx Variant Classification Process June 2021. Collection method: clinical testing. Allele origin: germline. Affected: yes.
Comment: Nonsense variant predicted to result in protein truncation as the last 14 amino acids are lost, although loss-of-function variants have not been reported downstream of this position in the protein; Not observed at significant frequency in large population cohorts (gnomAD); Has not been previously published as pathogenic or benign to our knowledge

NM_005360.5(MAF):c.1169G>A (p.Trp390Ter)

Gene: MAF (MAF bZIP transcription factor; minus strand). Cytogenetic location: 16q23.2.
Variant type: single nucleotide variant.
Coding change: c.1169G>A on transcript NM_005360.5 (MANE Select); coding-DNA position 1169, G replaced by A.
Protein change: p.Trp390Ter; replaces tryptophan 390 with a stop codon.
Molecular consequence: nonsense. On other transcripts: 3 prime UTR variant (1).
Genome position (GRCh38, 1-based): chr16:79,594,503, C>T on the plus strand (G>A on the coding strand, the complement: MAF is on the minus strand). VCF-style: chr16-79594503-C-T. GRCh37 (hg19) VCF-style: chr16-79628400-C-T.
Other names: c.*4278G>A (NM_001031804.3); short protein forms W390*.
Identifiers: ClinVar variation 3368814 (VCV003368814.1).